The following is an entry in ClinVar:

ClinVar aggregate classification (germline): Uncertain significance (1 of 4 stars; one submission).

Conditions:
Hereditary cancer-predisposing syndrome. Also called: Hereditary Cancer Syndrome; Neoplastic Syndromes, Hereditary; Tumor predisposition; Hereditary neoplastic syndrome. Identifiers: Orphanet 140162, MedGen C0027672, MeSH D009386, MONDO:0015356.

Submission:

Ambry Genetics
Classification: Uncertain significance for Hereditary cancer-predisposing syndrome. Last evaluated: 2026-08-12. Review status: criteria provided, single submitter. Criteria: Ambry Variant Classification Scheme 2023. Collection method: clinical testing. Allele origin: germline.
Comment: The p.G543R variant (also known as c.1627G>C), located in coding exon 11 of the CTNNA1 gene, results from a G to C substitution at nucleotide position 1627. The glycine at codon 543 is replaced by arginine, an amino acid with dissimilar properties. This amino acid position is conserved. In addition, this alteration is predicted to be deleterious by in silico analysis. Based on the available evidence, the clinical significance of this variant remains unclear.

NM_001903.5(CTNNA1):c.1627G>C (p.Gly543Arg)

Gene: CTNNA1 (catenin alpha 1; plus strand). Cytogenetic location: 5q31.2.
Variant type: single nucleotide variant.
Coding change: c.1627G>C on transcript NM_001903.5 (MANE Select); coding-DNA position 1627, G replaced by C.
Protein change: p.Gly543Arg; replaces glycine 543 with arginine.
Molecular consequence: missense variant.
Genome position (GRCh38, 1-based): chr5:138,924,590, G>C. VCF-style: chr5-138924590-G-C. GRCh37 (hg19) VCF-style: chr5-138260279-G-C.
Other names: c.517G>C, p.Gly173Arg (NM_001323995.1, NM_001323996.1, NM_001323997.1 and 17 more transcripts); c.178G>C, p.Gly60Arg (NM_001324006.1, NM_001324007.1, NM_001324008.1 and 2 more transcripts); c.424G>C, p.Gly142Arg (NM_001324011.1); c.274G>C, p.Gly92Arg (NM_001324012.1, NM_001324013.1); c.1627G>C, p.Gly543Arg (NM_001290307.3, NM_001323982.2, NM_001323983.1 and 2 more transcripts); c.1318G>C, p.Gly440Arg (NM_001290309.3); c.1258G>C, p.Gly420Arg (NM_001290310.3); c.1534G>C, p.Gly512Arg (NM_001323986.2); short protein forms G142R, G173R, G420R, G543R, G440R, G512R, G60R, G92R.
Identifiers: ClinVar variation 5035006 (VCV005035006.1).